The following is an entry in ClinVar:

ClinVar aggregate classification (germline): Uncertain significance (1 of 4 stars; one submission).

Conditions:
Inborn genetic diseases. Identifiers: MedGen C0950123, MeSH D030342.

Submission:

Ambry Genetics
Classification: Uncertain significance for Inborn genetic diseases. Last evaluated: 2026-08-24. Review status: criteria provided, single submitter. Criteria: Ambry Variant Classification Scheme 2023. Collection method: clinical testing. Allele origin: germline.
Comment: The p.E509G variant (also known as c.1526A>G), located in coding exon 11 of the MIB1 gene, results from an A to G substitution at nucleotide position 1526. The glutamic acid at codon 509 is replaced by glycine, an amino acid with similar properties. This amino acid position is conserved. In addition, this alteration is predicted to be deleterious by in silico analysis. Based on the available evidence, the clinical significance of this variant remains unclear.

NM_020774.4(MIB1):c.1526A>G (p.Glu509Gly)

Gene: MIB1 (MIB E3 ubiquitin protein ligase 1; plus strand). Cytogenetic location: 18q11.2.
Variant type: single nucleotide variant.
Coding change: c.1526A>G on transcript NM_020774.4 (MANE Select); coding-DNA position 1526, A replaced by G.
Protein change: p.Glu509Gly; replaces glutamic acid 509 with glycine.
Molecular consequence: missense variant.
Genome position (GRCh38, 1-based): chr18:21,815,662, A>G. VCF-style: chr18-21815662-A-G. GRCh37 (hg19) VCF-style: chr18-19395623-A-G.
Other names: short protein forms E509G.
Identifiers: ClinVar variation 5024458 (VCV005024458.1).